The following is an entry in ClinVar:

ClinVar aggregate classification (germline): Uncertain significance (1 of 4 stars; one submission).

Conditions:
Long QT syndrome (LQTS). Identifiers: MedGen C0023976, MeSH D008133, MONDO:0002442. Disease mechanism: loss of function. Inheritance: Various modes of inheritance.

Submission:

Labcorp Genetics (formerly Invitae), Labcorp
Classification: Uncertain significance for Long QT syndrome. Last evaluated: 2018-08-23. Review status: criteria provided, single submitter. Criteria: Invitae Variant Classification Sherloc (09022015). Collection method: clinical testing. Allele origin: germline.
Comment: In summary, the available evidence is currently insufficient to determine the role of this variant in disease. Therefore, it has been classified as a Variant of Uncertain Significance. This sequence change replaces serine with phenylalanine at codon 143 of the KCNQ1 protein (p.Ser143Phe). The serine residue is highly conserved and there is a large physicochemical difference between serine and phenylalanine. This variant is not present in population databases (ExAC no frequency). ClinVar contains an entry for this variant (Variation ID: 188120). Algorithms developed to predict the effect of missense changes on protein structure and function (SIFT, PolyPhen-2, Align-GVGD) all suggest that this variant is likely to be disruptive, but these predictions have not been confirmed by published functional studies and their clinical significance is uncertain.

NM_000218.3(KCNQ1):c.428C>T (p.Ser143Phe)

Gene: KCNQ1 (potassium voltage-gated channel subfamily Q member 1; plus strand). Cytogenetic location: 11p15.5.
Variant type: single nucleotide variant.
Coding change: c.428C>T on transcript NM_000218.3 (MANE Select); coding-DNA position 428, C replaced by T.
Protein change: p.Ser143Phe; replaces serine 143 with phenylalanine.
Molecular consequence: missense variant.
Genome position (GRCh38, 1-based): chr11:2,527,969, C>T. VCF-style: chr11-2527969-C-T. GRCh37 (hg19) VCF-style: chr11-2549199-C-T.
Other names: c.428C>T, p.Ser143Phe (NM_001406836.1, NM_001406838.1); c.158C>T, p.Ser53Phe (NM_001406837.1); c.47C>T, p.Ser16Phe (NM_181798.2); short protein forms S143F, S16F, S53F.
Identifiers: ClinVar variation 188120 (VCV000188120.11), dbSNP rs786204083, ClinGen allele CA007061.
Genomic context (GRCh38, chr11:2,527,969, plus strand): 5'-CCGTGTCCCTGTCTTGCAGCTTCCTCATCGTCCTGGTCTGCCTCATCTTCAGCGTGCTGT[C>T]CACCATCGAGCAGTATGCCGCCCTGGCCACGGGGACTCTCTTCTGGATGGTACGTAGCAT-3'
Protein context (NP_000209.2, residues 133-153): VLVCLIFSVL[Ser143Phe]TIEQYAALAT